The following is an entry in ClinVar:

ClinVar aggregate classification (germline): Uncertain significance. Review status: criteria provided, multiple submitters, no conflicts (2 of 4 stars). 5 submissions from 5 submitters: Uncertain significance (5). Last evaluated 2025-10-08.

Conditions:
Neuroblastoma, susceptibility to, 3. Also called: ALK-Related Neuroblastic Tumor Susceptibility. Identifiers: Orphanet 635, MedGen C2751681, MONDO:0013083, OMIM 613014.
Hereditary cancer-predisposing syndrome. Also called: Hereditary neoplastic syndrome; Tumor predisposition; Neoplastic Syndromes, Hereditary; Hereditary Cancer Syndrome. Identifiers: Orphanet 140162, MedGen C0027672, MeSH D009386, MONDO:0015356.

Allele frequency attached by ClinVar (database versions not stated): gnomAD exomes below 0.00001 and 0.00002; TOPMed below 0.00001; ExAC 0.00001; gnomAD 0.00001.
gnomAD v4.1: 26 of 1,614,008 alleles (0.0016%); highest among the groups gnomAD compares: Non-Finnish European, 0.0021%; no homozygotes.

Submissions (5):

Labcorp Genetics (formerly Invitae), Labcorp
Classification: Uncertain significance for Neuroblastoma, susceptibility to, 3. Last evaluated: 2025-10-08. Review status: criteria provided, single submitter. Criteria: Invitae Variant Classification Sherloc (09022015). Collection method: clinical testing. Allele origin: germline.
Comment: This sequence change replaces aspartic acid, which is acidic and polar, with asparagine, which is neutral and polar, at codon 768 of the ALK protein (p.Asp768Asn). This variant is present in population databases (rs766666105, gnomAD 0.0009%). This variant has not been reported in the literature in individuals affected with ALK-related conditions. ClinVar contains an entry for this variant (Variation ID: 961165). An algorithm developed to predict the effect of missense changes on protein structure and function (PolyPhen-2) suggests that this variant is likely to be tolerated. In summary, the available evidence is currently insufficient to determine the role of this variant in disease. Therefore, it has been classified as a Variant of Uncertain Significance.

Ambry Genetics
Classification: Uncertain significance for Hereditary cancer-predisposing syndrome. Last evaluated: 2024-04-16. Review status: criteria provided, single submitter. Criteria: Ambry Variant Classification Scheme 2023. Collection method: clinical testing. Allele origin: germline.
Comment: The p.D768N variant (also known as c.2302G>A), located in coding exon 13 of the ALK gene, results from a G to A substitution at nucleotide position 2302. The aspartic acid at codon 768 is replaced by asparagine, an amino acid with highly similar properties. This amino acid position is conserved. In addition, this alteration is predicted to be tolerated by in silico analysis. Since supporting evidence is limited at this time, the clinical significance of this alteration remains unclear.

Fulgent Genetics
Classification: Uncertain significance for Neuroblastoma, susceptibility to, 3. Last evaluated: 2024-01-18. Review status: criteria provided, single submitter. Criteria: ACMG Guidelines, 2015. Collection method: clinical testing. Allele origin: germline.

Baylor Genetics
Classification: Uncertain significance for Neuroblastoma, susceptibility to, 3. Last evaluated: 2023-05-24. Review status: criteria provided, single submitter. Criteria: ACMG Guidelines, 2015. Collection method: clinical testing. Allele origin: unknown.

St. Jude Molecular Pathology, St. Jude Children's Research Hospital
Classification: Uncertain significance for Neuroblastoma, susceptibility to, 3. Last evaluated: 2022-03-10. Review status: criteria provided, single submitter. Criteria: St. Jude Assertion Criteria 2020. Collection method: clinical testing. Allele origin: germline.
Comment: The ALK c.2302G>A (p.Asp768Asn) missense change has a maximum subpopulation frequency of 0.00088% in gnomAD v2.1.1 (PM2_supporting ). Six of seven in silico tools predict a benign effect of this variant on protein function (BP4), but to our knowledge these predictions have not been confirmed by functional assays. This variant has been reported in one individual with a neuroendocrine tumor (PMID: 31645765). To our knowledge, this variant has not been reported in the literature in individuals with ALK-related neuroblastic tumor susceptibility. In summary, this variant meets criteria to be classified as of uncertain significance based on the ACMG/AMP criteria: PM2_supporting, BP4.

NM_004304.5(ALK):c.2302G>A (p.Asp768Asn)

Gene: ALK (ALK receptor tyrosine kinase; minus strand). Cytogenetic location: 2p23.2.
Variant type: single nucleotide variant.
Coding change: c.2302G>A on transcript NM_004304.5 (MANE Select); coding-DNA position 2302, G replaced by A.
Protein change: p.Asp768Asn; replaces aspartic acid 768 with asparagine.
Molecular consequence: missense variant.
Genome position (GRCh38, 1-based): chr2:29,239,733, C>T on the plus strand (G>A on the coding strand, the complement: ALK is on the minus strand). VCF-style: chr2-29239733-C-T. GRCh37 (hg19) VCF-style: chr2-29462599-C-T.
Other names: short protein forms D768N.
Identifiers: ClinVar variation 961165 (VCV000961165.19), dbSNP rs766666105, ClinGen allele CA1594368.
Genomic context (GRCh38, chr2:29,239,733, plus strand): 5'-CACTTACACTGGGGCAGGCGTCCTCTCCCTGCTGCCCAACCAGGATGTACAGCATGTCAT[C>T]CTTCTCCAGGTTGAAGATGCCCAGCACAGACACGCCGTGGGACCGCATCATGGTGTTCTT-3'
Protein context (NP_004295.2, residues 758-778): SVLGIFNLEK[Asp768Asn]DMLYILVGQQ